The following is an entry in ClinVar:

ClinVar aggregate classification (germline): Uncertain significance. Review status: criteria provided, multiple submitters, no conflicts (2 of 4 stars). 3 submissions from 3 submitters: Uncertain significance (2). 1 of the submissions does not count toward it. Last evaluated 2025-12-23.

Conditions:
Becker muscular dystrophy (BMD). Also called: MUSCULAR DYSTROPHY, PSEUDOHYPERTROPHIC PROGRESSIVE, BECKER TYPE; Becker Muscular Dystrophy (BMD). Identifiers: Orphanet 98895, MedGen C0917713, MONDO:0010311, OMIM 300376.
Cardiomyopathy (CMYO). Also called: Cardiomyopathies. Identifiers: Orphanet 167848, MedGen C0878544, MONDO:0004994, HP:0001638. Inheritance: Various modes of inheritance.
Duchenne muscular dystrophy (DMD). Also called: MUSCULAR DYSTROPHY, PSEUDOHYPERTROPHIC PROGRESSIVE, DUCHENNE TYPE; Duchenne Muscular Dystrophy (DMD). Identifiers: Orphanet 98896, MedGen C0013264, MONDO:0010679, OMIM 310200.
Dystrophin deficiency.
Cardiovascular phenotype. Identifiers: MedGen CN230736.

Submissions (3):

Labcorp Genetics (formerly Invitae), Labcorp
Classification: Uncertain significance for Duchenne muscular dystrophy. Last evaluated: 2025-12-23. Review status: criteria provided, single submitter. Criteria: Invitae Variant Classification Sherloc (09022015). Collection method: clinical testing. Allele origin: germline.
Comment: This sequence change replaces leucine, which is neutral and non-polar, with phenylalanine, which is neutral and non-polar, at codon 533 of the DMD protein (p.Leu533Phe). This variant is not present in population databases (gnomAD no frequency). This variant has not been reported in the literature in individuals affected with DMD-related conditions. ClinVar contains an entry for this variant (Variation ID: 455867). Invitae Evidence Modeling of protein sequence and biophysical properties (such as structural, functional, and spatial information, amino acid conservation, physicochemical variation, residue mobility, and thermodynamic stability) indicates that this missense variant is not expected to disrupt DMD protein function with a negative predictive value of 95%. In summary, the available evidence is currently insufficient to determine the role of this variant in disease. Therefore, it has been classified as a Variant of Uncertain Significance.

Ambry Genetics
Classification: Uncertain significance for Cardiovascular phenotype. Last evaluated: 2025-05-01. Review status: criteria provided, single submitter. Criteria: Ambry Variant Classification Scheme 2023. Collection method: clinical testing. Allele origin: germline.
Comment: The p.L533F variant (also known as c.1597C>T), located in coding exon 13 of the DMD gene, results from a C to T substitution at nucleotide position 1597. The leucine at codon 533 is replaced by phenylalanine, an amino acid with highly similar properties. This amino acid position is highly conserved in available vertebrate species. In addition, the in silico prediction for this alteration is inconclusive. Based on the available evidence, the clinical significance of this variant remains unclear.

Natera, Inc.
Classification: Uncertain significance for Becker muscular dystrophy; Cardiomyopathy; Duchenne muscular dystrophy; Dystrophin deficiency. Last evaluated: 2019-03-18. Review status: no assertion criteria provided. Collection method: clinical testing. Allele origin: germline. Not counted in ClinVar's aggregate classification.

NM_004006.3(DMD):c.1597C>T (p.Leu533Phe)

Gene: DMD (dystrophin; minus strand). Cytogenetic location: Xp21.1.
Variant type: single nucleotide variant.
Coding change: c.1597C>T on transcript NM_004006.3 (MANE Select); coding-DNA position 1597, C replaced by T.
Protein change: p.Leu533Phe; replaces leucine 533 with phenylalanine.
Molecular consequence: missense variant.
Genome position (GRCh38, 1-based): chrX:32,595,762, G>A on the plus strand (C>T on the coding strand, the complement: DMD is on the minus strand). VCF-style: chrX-32595762-G-A. GRCh37 (hg19) VCF-style: chrX-32613879-G-A.
Other names: c.1573C>T, p.Leu525Phe (NM_000109.4); c.1585C>T, p.Leu529Phe (NM_004009.3); c.1228C>T, p.Leu410Phe (NM_004010.3); short protein forms L533F, L529F, L525F, L410F.
Identifiers: ClinVar variation 455867 (VCV000455867.8), dbSNP rs1556834538, ClinGen allele CA412665268.